The following is an entry in ClinVar:

NM_021098.3(CACNA1H):c.567C>T (p.Asp189=)

Gene: CACNA1H (calcium voltage-gated channel subunit alpha1 H; plus strand). Cytogenetic location: 16p13.3.
Variant type: single nucleotide variant.
Coding change: c.567C>T on transcript NM_021098.3 (MANE Select); coding-DNA position 567, C replaced by T.
Protein change: p.Asp189=; no amino-acid change (aspartic acid 189 retained).
Molecular consequence: synonymous variant.
Genome position (GRCh38, 1-based): chr16:1,195,947, C>T. VCF-style: chr16-1195947-C-T. GRCh37 (hg19) VCF-style: chr16-1245947-C-T.
Other names: c.567C>T, p.Asp189= (NM_001005407.2).
Identifiers: ClinVar variation 3339929 (VCV003339929.1).

ClinVar aggregate classification (germline): Likely benign (1 of 4 stars; one submission).

gnomAD v4.1: 1 of 1,613,064 alleles (0.000062%); highest among the groups gnomAD compares: Non-Finnish European, 0.000085%; no homozygotes.

Submission:

Women's Health and Genetics/Laboratory Corporation of America, LabCorp
Classification: Likely benign. Last evaluated: 2024-06-20. Review status: criteria provided, single submitter. Criteria: LabCorp Variant Classification Summary - May 2015. Collection method: clinical testing. Allele origin: germline.
Comment: Variant summary: CACNA1H c.567C>T alters a conserved nucleotide resulting in a synonymous change. The variant allele was found at a frequency of 4e-06 in 248528 control chromosomes. The available data on variant occurrences in the general population are insufficient to allow any conclusion about variant significance. To our knowledge, no occurrence of c.567C>T in individuals affected with Idiopathic Generalized Epilepsy and no experimental evidence demonstrating its impact on protein function have been reported. No submitters have cited clinical-significance assessments for this variant to ClinVar. Based on the evidence outlined above, the variant was classified as likely benign.